The following is an entry in ClinVar:

NM_005068.3(SIM1):c.1932T>A (p.His644Gln)

Gene: SIM1 (SIM bHLH transcription factor 1; minus strand). Cytogenetic location: 6q16.3.
Variant type: single nucleotide variant.
Coding change: c.1932T>A on transcript NM_005068.3 (MANE Select); coding-DNA position 1932, T replaced by A.
Protein change: p.His644Gln; replaces histidine 644 with glutamine.
Molecular consequence: missense variant.
Genome position (GRCh38, 1-based): chr6:100,390,730, A>T on the plus strand (T>A on the coding strand, the complement: SIM1 is on the minus strand). VCF-style: chr6-100390730-A-T. GRCh37 (hg19) VCF-style: chr6-100838606-A-T.
Other names: c.1932T>A, p.His644Gln (NM_001374769.1); short protein forms H644Q.
Identifiers: ClinVar variation 4978358 (VCV004978358.1).

ClinVar aggregate classification (germline): Uncertain significance (1 of 4 stars; one submission).

Conditions:
SIM1-related disorder. Also called: SIM1-related condition; SIM1-related disorders.

Submission:

PreventionGenetics, part of Exact Sciences
Classification: Uncertain significance for SIM1-related condition. Last evaluated: 2025-11-03. Review status: criteria provided, single submitter. Criteria: ACMG Guidelines, 2015. Collection method: clinical testing. Allele origin: germline.
Comment: The SIM1 c.1932T>A variant is predicted to result in the amino acid substitution p.His644Gln. To our knowledge, this variant has not been reported in the literature or in a large population database (gnomAD), indicating this variant is rare. At this time, the clinical significance of this variant is uncertain due to the absence of conclusive functional and genetic evidence.